The following is an entry in ClinVar:

NM_000275.3(OCA2):c.1980G>A (p.Trp660Ter)

Gene: OCA2 (OCA2 melanosomal transmembrane protein; minus strand). Cytogenetic location: 15q13.1.
Variant type: single nucleotide variant.
Coding change: c.1980G>A on transcript NM_000275.3 (MANE Select); coding-DNA position 1980, G replaced by A.
Protein change: p.Trp660Ter; replaces tryptophan 660 with a stop codon.
Molecular consequence: nonsense.
Genome position (GRCh38, 1-based): chr15:27,926,226, C>T on the plus strand (G>A on the coding strand, the complement: OCA2 is on the minus strand). VCF-style: chr15-27926226-C-T. GRCh37 (hg19) VCF-style: chr15-28171372-C-T.
Other names: c.1908G>A, p.Trp636Ter (NM_001300984.2); short protein forms W636*, W660*.
Identifiers: ClinVar variation 2748647 (VCV002748647.4), dbSNP rs1567114551, ClinGen allele CA391361338.
Genomic context (GRCh38, chr15:27,926,226, plus strand): 5'-TGCCCATTCCACTCTGTGTAGAATTATCTCAAAATCATGAATATCAGCTAAAATTAGCAA[C>T]CAGATGGCACCCAGAATAGCAATCCATCCTGAAAATAAGTAAATAGACATAGAGATATAG-3'

ClinVar aggregate classification (germline): Pathogenic. Review status: criteria provided, multiple submitters, no conflicts (2 of 4 stars). 2 submissions from 2 submitters: Pathogenic (2). Last evaluated 2025-10-11.

Conditions:
Tyrosinase-positive oculocutaneous albinism (OCA2). Also called: Oculocutaneous albinism type 2; ALBINISM II; Albinism, oculocutaneous, type II. Identifiers: Orphanet 79432, MedGen C0268495, MONDO:0008746, OMIM 203200.

Submissions (2):

Myriad Genetics, Inc.
Classification: Pathogenic for Tyrosinase-positive oculocutaneous albinism. Last evaluated: 2025-10-11. Review status: criteria provided, single submitter. Criteria: Myriad Autosomal Dominant, Autosomal Recessive and X-Linked Classification Criteria (2023). Collection method: clinical testing. Allele origin: unknown.
Comment: NM_000275.2(OCA2):c.1980G>A(W660*) is expected to be pathogenic in the context of oculocutaneous albinism, OCA2-related. This variant is predicted to lead to an abnormal or absent protein product due to the creation of a premature termination codon in OCA2, a gene where loss-of-function variants are known to be pathogenic. Please note: this variant was assessed in the context of healthy population screening.

Labcorp Genetics (formerly Invitae), Labcorp
Classification: Pathogenic. Last evaluated: 2023-07-31. Review status: criteria provided, single submitter. Criteria: Invitae Variant Classification Sherloc (09022015). Collection method: clinical testing. Allele origin: germline.
Comment: For these reasons, this variant has been classified as Pathogenic. This premature translational stop signal has been observed in individual(s) with oculocutaneous albinism (PMID: 29345414). This variant is not present in population databases (gnomAD no frequency). This sequence change creates a premature translational stop signal (p.Trp660*) in the OCA2 gene. It is expected to result in an absent or disrupted protein product. Loss-of-function variants in OCA2 are known to be pathogenic (PMID: 19865097, 21541274).

Literature cited by the submitters: PubMed 29345414 (cited by Labcorp Genetics (formerly Invitae), Labcorp); PubMed 19865097 (cited by Labcorp Genetics (formerly Invitae), Labcorp); PubMed 21541274 (cited by Labcorp Genetics (formerly Invitae), Labcorp).